The following is an entry in ClinVar:

ClinVar aggregate classification (germline): Uncertain significance (1 of 4 stars; one submission).

Submission:

GeneDx
Classification: Uncertain significance. Last evaluated: 2026-03-18. Review status: criteria provided, single submitter. Criteria: GeneDx Variant Classification Process June 2021. Collection method: clinical testing. Allele origin: germline.
Comment: Not observed at significant frequency in large population cohorts (gnomAD); In silico analysis supports that this missense variant has a deleterious effect on protein structure/function; Has not been previously published as pathogenic or benign to our knowledge

NM_006421.5(ARFGEF1):c.3674G>A (p.Gly1225Glu)

Gene: ARFGEF1 (ARF guanine nucleotide exchange factor 1; minus strand). Cytogenetic location: 8q13.2.
Variant type: single nucleotide variant.
Coding change: c.3674G>A on transcript NM_006421.5 (MANE Select); coding-DNA position 3674, G replaced by A.
Protein change: p.Gly1225Glu; replaces glycine 1225 with glutamic acid.
Molecular consequence: missense variant. On other transcripts: non-coding transcript variant (1).
Genome position (GRCh38, 1-based): chr8:67,227,516, C>T on the plus strand (G>A on the coding strand, the complement: ARFGEF1 is on the minus strand). VCF-style: chr8-67227516-C-T. GRCh37 (hg19) VCF-style: chr8-68139751-C-T.
Other names: c.3674G>A, p.Gly1225Glu (NM_001413184.1, NM_001413185.1, NM_001413186.1 and 6 more transcripts); c.3074G>A, p.Gly1025Glu (NM_001413188.1, NM_001413193.1, NM_001413197.1); c.3668G>A, p.Gly1223Glu (NM_001413190.1); c.2249G>A, p.Gly750Glu (NM_001413196.1); short protein forms G1025E, G1223E, G1225E, G750E.
Identifiers: ClinVar variation 4083061 (VCV004083061.2).
Genomic context (GRCh38, chr8:67,227,516, plus strand): 5'-TTCATTATATGTTCAAAAGGTCTTAAGAAATCCTTCTGGAATCTGAAGTTAGCAAGCTCC[C>T]CTTTCTCTAAGAACTTCATTGACAACTGCCTCAAGGAGTCTACTGCAAAAATAGCTACAT-3'
Protein context (NP_006412.2, residues 1215-1235): RQLSMKFLEK[Gly1225Glu]ELANFRFQKD